The following is an entry in ClinVar:

ClinVar aggregate classification (germline): Likely benign (1 of 4 stars; one submission).

Conditions:
Neuroblastoma (NB). Identifiers: Orphanet 635, MedGen C0027819, MeSH D009447, MONDO:0005072, HP:0003006.

Allele frequency attached by ClinVar (database versions not stated): 1000 Genomes Project 0.00040; 1000 Genomes Project 30x 0.00078; gnomAD 0.00393 and 0.00419; TOPMed 0.00415; gnomAD exomes 0.00417.
gnomAD v4.1: 895 of 219,196 alleles (0.41%); highest among the groups gnomAD compares: Non-Finnish European, 0.65%; 4 homozygotes.

Submission:

Illumina Laboratory Services, Illumina
Classification: Likely benign for Neuroblastoma. Last evaluated: 2018-01-13. Review status: criteria provided, single submitter. Criteria: ICSL Variant Classification Criteria 13 December 2019. Collection method: clinical testing. Allele origin: germline.
Comment: This variant was observed in the ICSL laboratory as part of a predisposition screen in an ostensibly healthy population. It had not been previously curated by ICSL or reported in the Human Gene Mutation Database (HGMD: prior to June 1st, 2018), and was therefore a candidate for classification through an automated scoring system. Utilizing variant allele frequency, disease prevalence and penetrance estimates, and inheritance mode, an automated score was calculated to assess if this variant is too frequent to cause the disease. Based on the score and internal cut-off values, a variant classified as likely benign is not then subjected to further curation. The score for this variant resulted in a classification of likely benign for this disease.

NM_001365951.3(KIF1B):c.*4325G>A

Gene: KIF1B (kinesin family member 1B; plus strand). Cytogenetic location: 1p36.22.
Variant type: single nucleotide variant.
Coding change: c.*4325G>A on transcript NM_001365951.3 (MANE Select); 4325 bases downstream of the stop codon, G replaced by A.
Molecular consequence: 3 prime UTR variant.
Genome position (GRCh38, 1-based): chr1:10,380,912, G>A. VCF-style: chr1-10380912-G-A. GRCh37 (hg19) VCF-style: chr1-10440970-G-A.
Other names: c.*4325G>A (NM_001365952.1, NM_015074.3).
Identifiers: ClinVar variation 291662 (VCV000291662.5), dbSNP rs141688466, ClinGen allele CA10607323.